The following is an entry in ClinVar:

ClinVar aggregate classification (germline): Likely pathogenic (1 of 4 stars; one submission).

Conditions:
Corticosterone methyl oxidase type II deficiency.

Submission:

Natera, Inc.
Classification: Likely pathogenic for Corticosterone methyl oxidase type II deficiency. Last evaluated: 2024-07-05. Review status: criteria provided, single submitter. Criteria: Natera Variant Classification Schema (03/2026). Collection method: clinical testing. Allele origin: germline.
Comment: The c.396-2A>C variant in CYP11B2 is a canonical splice acceptor site variant predicted to affect pre-mRNA splicing, which may result in an abnormal transcript and altered protein product. This variant is expected to result in nonsense mediated decay, truncation, or a dysfunctional protein product. This variant is rare in the general population with a frequency below the threshold expected for the associated phenotype(s). Given the available evidence, this variant is classified as Likely Pathogenic.

NM_000498.3(CYP11B2):c.396-2A>C

Genes: CYP11B2 (cytochrome P450 family 11 subfamily B member 2; minus strand), LOC106799834 (CYP11B2 recombination region; plus strand). Cytogenetic location: 8q24.3.
Variant type: single nucleotide variant.
Coding change: c.396-2A>C on transcript NM_000498.3 (MANE Select); the canonical splice acceptor site of the intron before coding-DNA position 396, A replaced by C.
Molecular consequence: splice acceptor variant.
Genome position (GRCh38, 1-based): chr8:142,915,247, T>G on the plus strand (A>C on the coding strand, the complement: CYP11B2 is on the minus strand). VCF-style: chr8-142915247-T-G. GRCh37 (hg19) VCF-style: chr8-143996663-T-G.
Identifiers: ClinVar variation 4818605 (VCV004818605.1).